The following is an entry in ClinVar:

NM_001348323.3(TRIP12):c.4856T>C (p.Phe1619Ser)

Gene: TRIP12 (thyroid hormone receptor interactor 12; minus strand). Cytogenetic location: 2q36.3.
Variant type: single nucleotide variant.
Coding change: c.4856T>C on transcript NM_001348323.3 (MANE Select); coding-DNA position 4856, T replaced by C.
Protein change: p.Phe1619Ser; replaces phenylalanine 1619 with serine.
Molecular consequence: missense variant.
Genome position (GRCh38, 1-based): chr2:229,787,644, A>G on the plus strand (T>C on the coding strand, the complement: TRIP12 is on the minus strand). VCF-style: chr2-229787644-A-G. GRCh37 (hg19) VCF-style: chr2-230652360-A-G.
Other names: c.4775T>C, p.Phe1592Ser (NM_001284214.2, NM_001348315.2); c.4730T>C, p.Phe1577Ser (NM_001284215.2, NM_001348316.2); c.3821T>C, p.Phe1274Ser (NM_001284216.2); c.4715T>C, p.Phe1572Ser (NM_001348317.1, NM_001348318.2); c.4841T>C, p.Phe1614Ser (NM_001348319.1, NM_001348320.2); c.4844T>C, p.Phe1615Ser (NM_001348321.1); c.4856T>C, p.Phe1619Ser (NM_001348322.1, NM_001348324.2, NM_001348325.2 and 2 more transcripts); c.4859T>C, p.Phe1620Ser (NM_001348328.1, NM_001348329.2, NM_001348330.2); and 4 more; short protein forms F1274S, F1544S, F1545S, F1572S, F1577S, F1585S, F1592S, F1593S.
Identifiers: ClinVar variation 3361862 (VCV003361862.2).

ClinVar aggregate classification (germline): Uncertain significance (1 of 4 stars; one submission).

Submission:

GeneDx
Classification: Uncertain significance. Last evaluated: 2025-09-29. Review status: criteria provided, single submitter. Criteria: GeneDx Variant Classification Process June 2021. Collection method: clinical testing. Allele origin: germline.
Comment: Not observed at significant frequency in large population cohorts (gnomAD); In silico analysis supports that this missense variant has a deleterious effect on protein structure/function; Has not been previously published as pathogenic or benign to our knowledge